The following is an entry in ClinVar:

NM_001113491.2(SEPTIN9):c.1442A>T (p.Asp481Val)

Gene: SEPTIN9 (septin 9; plus strand). Cytogenetic location: 17q25.3.
Variant type: single nucleotide variant.
Coding change: c.1442A>T on transcript NM_001113491.2 (MANE Select); coding-DNA position 1442, A replaced by T.
Protein change: p.Asp481Val; replaces aspartic acid 481 with valine.
Molecular consequence: missense variant.
Genome position (GRCh38, 1-based): chr17:77,492,682, A>T. VCF-style: chr17-77492682-A-T. GRCh37 (hg19) VCF-style: chr17-75488764-A-T.
Other names: c.950A>T, p.Asp317Val (NM_001113492.2, NM_001113494.1); c.1421A>T, p.Asp474Val (NM_001113493.2); c.689A>T, p.Asp230Val (NM_001113495.2, NM_001113496.2, NM_001293697.2 and 1 more transcripts); c.1385A>T, p.Asp462Val (NM_001293695.2); c.770A>T, p.Asp257Val (NM_001293696.2); c.1388A>T, p.Asp463Val (NM_006640.5); short protein forms D463V, D230V, D474V, D462V, D257V, D317V, D481V.
Identifiers: ClinVar variation 5008619 (VCV005008619.1).

ClinVar aggregate classification (germline): Uncertain significance (1 of 4 stars; one submission).

gnomAD v4.1: 1 of 1,614,042 alleles (0.000062%); highest among the groups gnomAD compares: Non-Finnish European, 0.000085%; no homozygotes.

Submission:

GeneDx
Classification: Uncertain significance. Last evaluated: 2026-03-05. Review status: criteria provided, single submitter. Criteria: GeneDx Variant Classification Process June 2021. Collection method: clinical testing. Allele origin: germline.
Comment: Not observed at significant frequency in large population cohorts (gnomAD); In silico analysis supports that this missense variant has a deleterious effect on protein structure/function; Has not been previously published as pathogenic or benign to our knowledge